The following is an entry in ClinVar:

NM_002691.4(POLD1):c.964C>A (p.Arg322Ser)

Gene: POLD1 (DNA polymerase delta 1, catalytic subunit; plus strand). Cytogenetic location: 19q13.33.
Variant type: single nucleotide variant.
Coding change: c.964C>A on transcript NM_002691.4 (MANE Select); coding-DNA position 964, C replaced by A.
Protein change: p.Arg322Ser; replaces arginine 322 with serine.
Molecular consequence: missense variant. On other transcripts: non-coding transcript variant (1).
Genome position (GRCh38, 1-based): chr19:50,402,735, C>A. VCF-style: chr19-50402735-C-A. GRCh37 (hg19) VCF-style: chr19-50905992-C-A.
Other names: c.964C>A, p.Arg322Ser (NM_001256849.1, NM_001308632.1); short protein forms R322S.
Identifiers: ClinVar variation 3696380 (VCV003696380.2).

ClinVar aggregate classification (germline): Uncertain significance (1 of 4 stars; one submission).

Conditions:
POLD1-related polyposis and colorectal cancer syndrome (CRCS10). Also called: Colorectal cancer 10; COLORECTAL CANCER, SUSCEPTIBILITY TO, ON CHROMOSOME 19q; Colorectal cancer, susceptibility to, 10. Identifiers: Orphanet 220460, MedGen C2675481, MONDO:0012953, OMIM 612591.

Submission:

Labcorp Genetics (formerly Invitae), Labcorp
Classification: Uncertain significance for POLD1-related polyposis and colorectal cancer syndrome. Last evaluated: 2024-05-13. Review status: criteria provided, single submitter. Criteria: Invitae Variant Classification Sherloc (09022015). Collection method: clinical testing. Allele origin: germline.
Comment: This sequence change replaces arginine, which is basic and polar, with serine, which is neutral and polar, at codon 322 of the POLD1 protein (p.Arg322Ser). This variant is not present in population databases (gnomAD no frequency). This variant has not been reported in the literature in individuals affected with POLD1-related conditions. Advanced modeling of protein sequence and biophysical properties (such as structural, functional, and spatial information, amino acid conservation, physicochemical variation, residue mobility, and thermodynamic stability) performed at Invitae indicates that this missense variant is not expected to disrupt POLD1 protein function with a negative predictive value of 80%. In summary, the available evidence is currently insufficient to determine the role of this variant in disease. Therefore, it has been classified as a Variant of Uncertain Significance.